The following is an entry in ClinVar:

ClinVar aggregate classification (germline): Conflicting classifications of pathogenicity. Review status: criteria provided, conflicting classifications (1 of 4 stars). 3 submissions from 3 submitters: Uncertain significance (2); Likely benign (1). Last evaluated 2025-04-14.

Conditions:
Autosomal recessive Alport syndrome (ATS2). Also called: COL4A4 Alport Syndrome and Thin Basement Membrane Nephropathy; COL4A3-Related Nephropathy; Alport syndrome type 2; ALPORT SYNDROME 2, AUTOSOMAL RECESSIVE. Identifiers: Orphanet 63, Orphanet 88919, MedGen C4746745, MONDO:0008762, OMIM 203780.
Hematuria, benign familial, 1 (BFH1). Also called: THIN MEMBRANE NEPHROPATHY. Identifiers: MedGen CN376803, MONDO:0007709, OMIM 141200.

Allele frequency attached by ClinVar (database versions not stated): TOPMed 0.00001.
gnomAD v4.1: 6 of 1,612,854 alleles (0.00037%); highest among the groups gnomAD compares: East Asian, 0.0045%; no homozygotes.

Submissions (3):

GeneDx
Classification: Uncertain significance. Last evaluated: 2025-04-14. Review status: criteria provided, single submitter. Criteria: GeneDx Variant Classification Process June 2021. Collection method: clinical testing. Allele origin: germline. Affected: yes.
Comment: Not observed at significant frequency in large population cohorts (gnomAD); In silico analysis indicates that this missense variant does not alter protein structure/function; Has not been previously published as pathogenic or benign to our knowledge; Occurs in the triple helical domain at the X position in the canonical Gly-X-Y repeat; although this variant may have an effect on normal protein folding and function, missense substitution at the X position is not a common mechanism of disease

Fulgent Genetics
Classification: Uncertain significance for Hematuria, benign familial, 1; Autosomal recessive Alport syndrome. Last evaluated: 2024-03-08. Review status: criteria provided, single submitter. Criteria: ACMG Guidelines, 2015. Collection method: clinical testing. Allele origin: germline.

Labcorp Genetics (formerly Invitae), Labcorp
Classification: Likely benign. Last evaluated: 2023-08-16. Review status: criteria provided, single submitter. Criteria: Invitae Variant Classification Sherloc (09022015). Collection method: clinical testing. Allele origin: germline.

NM_000092.5(COL4A4):c.3285T>G (p.Cys1095Trp)

Gene: COL4A4 (collagen type IV alpha 4 chain; minus strand). Cytogenetic location: 2q36.3.
Variant type: single nucleotide variant.
Coding change: c.3285T>G on transcript NM_000092.5 (MANE Select); coding-DNA position 3285, T replaced by G.
Protein change: p.Cys1095Trp; replaces cysteine 1095 with tryptophan.
Molecular consequence: missense variant.
Genome position (GRCh38, 1-based): chr2:227,047,479, A>C on the plus strand (T>G on the coding strand, the complement: COL4A4 is on the minus strand). VCF-style: chr2-227047479-A-C. GRCh37 (hg19) VCF-style: chr2-227912195-A-C.
Other names: short protein forms C1095W.
Identifiers: ClinVar variation 2158475 (VCV002158475.6), dbSNP rs908532580, ClinGen allele CA66577839.